The following is an entry in ClinVar:

ClinVar aggregate classification (germline): Benign. Review status: criteria provided, multiple submitters, no conflicts (2 of 4 stars). 2 submissions from 2 submitters: Benign (2). Last evaluated 2018-01-13.

Conditions:
Fibrous dysplasia of jaw (CRBM). Also called: Cherubism. Identifiers: Orphanet 184, MedGen C0008029, MONDO:0007315, OMIM 118400.

Allele frequency attached by ClinVar (database versions not stated): gnomAD 0.29318 and 0.30132; TOPMed 0.31032; 1000 Genomes Project 30x 0.33745; 1000 Genomes Project 0.33766; gnomAD exomes 0.40805.
gnomAD v4.1: 46,044 of 152,370 alleles (30%); highest among the groups gnomAD compares: East Asian, 47%; 7,603 homozygotes.

Submissions (2):

Illumina Laboratory Services, Illumina
Classification: Benign for Fibrous dysplasia of jaw. Last evaluated: 2018-01-13. Review status: criteria provided, single submitter. Criteria: ICSL Variant Classification Criteria 13 December 2019. Collection method: clinical testing. Allele origin: germline.
Comment: This variant was observed in the ICSL laboratory as part of a predisposition screen in an ostensibly healthy population. It had not been previously curated by ICSL or reported in the Human Gene Mutation Database (HGMD: prior to June 1st, 2018), and was therefore a candidate for classification through an automated scoring system. Utilizing variant allele frequency, disease prevalence and penetrance estimates, and inheritance mode, an automated score was calculated to assess if this variant is too frequent to cause the disease. Based on the score and internal cut-off values, a variant classified as benign is not then subjected to further curation. The score for this variant resulted in a classification of benign for this disease.

Breakthrough Genomics
Classification: Benign. Review status: criteria provided, single submitter. Criteria: ACMG Guidelines, 2015. Collection method: not provided. Allele origin: germline. Inheritance: Autosomal dominant inheritance. Affected: yes.

NM_001122681.2(SH3BP2):c.*3877G>C

Gene: SH3BP2 (SH3 domain binding protein 2; plus strand). Cytogenetic location: 4p16.3.
Variant type: single nucleotide variant.
Coding change: c.*3877G>C on transcript NM_001122681.2 (MANE Select); 3877 bases downstream of the stop codon, G replaced by C.
Molecular consequence: 3 prime UTR variant.
Genome position (GRCh38, 1-based): chr4:2,837,711, G>C. VCF-style: chr4-2837711-G-C. GRCh37 (hg19) VCF-style: chr4-2839438-G-C.
Other names: c.*3877G>C (LRG_1334t2, LRG_1334t1, NM_001145855.2 and 2 more transcripts).
Identifiers: ClinVar variation 348665 (VCV000348665.6), dbSNP rs735794, ClinGen allele CA10620935.
Genomic context (GRCh38, chr4:2,837,711, plus strand): 5'-GTGCTTGTCTCTAGACGAGGGGAATGGGGGAAGGGCCACAACCTCTGTTTCTGTGACCCA[G>C]CAGCATCAAGCCCCTCGCTGGGCACCTCGCACACACCCCCTGCCTTATCTCTGCCTGCAC-3'